The following is an entry in ClinVar:

ClinVar aggregate classification (germline): Uncertain significance (1 of 4 stars; one submission).

Allele frequency attached by ClinVar (database versions not stated): gnomAD exomes below 0.00001.
gnomAD v4.1: 1 of 1,614,194 alleles (0.000062%); highest among the groups gnomAD compares: Non-Finnish European, 0.000085%; no homozygotes.

Submission:

Labcorp Genetics (formerly Invitae), Labcorp
Classification: Uncertain significance. Last evaluated: 2023-06-30. Review status: criteria provided, single submitter. Criteria: Invitae Variant Classification Sherloc (09022015). Collection method: clinical testing. Allele origin: germline.
Comment: In summary, the available evidence is currently insufficient to determine the role of this variant in disease. Therefore, it has been classified as a Variant of Uncertain Significance. Advanced modeling of protein sequence and biophysical properties (such as structural, functional, and spatial information, amino acid conservation, physicochemical variation, residue mobility, and thermodynamic stability) performed at Invitae indicates that this missense variant is not expected to disrupt NR3C2 protein function. This variant has not been reported in the literature in individuals affected with NR3C2-related conditions. This variant is not present in population databases (gnomAD no frequency). This sequence change replaces serine, which is neutral and polar, with alanine, which is neutral and non-polar, at codon 409 of the NR3C2 protein (p.Ser409Ala).

NM_000901.5(NR3C2):c.1225T>G (p.Ser409Ala)

Gene: NR3C2 (nuclear receptor subfamily 3 group C member 2; minus strand). Cytogenetic location: 4q31.23.
Variant type: single nucleotide variant.
Coding change: c.1225T>G on transcript NM_000901.5 (MANE Select); coding-DNA position 1225, T replaced by G.
Protein change: p.Ser409Ala; replaces serine 409 with alanine.
Molecular consequence: missense variant. On other transcripts: non-coding transcript variant (1).
Genome position (GRCh38, 1-based): chr4:148,435,636, A>C on the plus strand (T>G on the coding strand, the complement: NR3C2 is on the minus strand). VCF-style: chr4-148435636-A-C. GRCh37 (hg19) VCF-style: chr4-149356788-A-C.
Other names: c.1225T>G, p.Ser409Ala (NM_001166104.2, NM_001354819.1); short protein forms S409A.
Identifiers: ClinVar variation 2692666 (VCV002692666.3), dbSNP rs2531827045, ClinGen allele CA358246955.
Genomic context (GRCh38, chr4:148,435,636, plus strand): 5'-GCTTTATTGGTACTGAGAATGAAGAATCCGAATTTATTTTGCTATTTCCTCCTAGACATG[A>C]GCTGCTAAAAGCTCCATCTGGTTCTGGTTTTATGTACTGGACAATATTAAGCTGGCCAGT-3'
Protein context (NP_000892.2, residues 399-419): KPEPDGAFSS[Ser409Ala]CLGGNSKINS